The following is an entry in ClinVar:

NM_000548.5(TSC2):c.2427C>T (p.Ser809=)

Gene: TSC2 (TSC complex subunit 2; plus strand). Cytogenetic location: 16p13.3.
Variant type: single nucleotide variant.
Coding change: c.2427C>T on transcript NM_000548.5 (MANE Select); coding-DNA position 2427, C replaced by T.
Protein change: p.Ser809=; no amino-acid change (serine 809 retained).
Molecular consequence: synonymous variant.
Genome position (GRCh38, 1-based): chr16:2,074,271, C>T. VCF-style: chr16-2074271-C-T. GRCh37 (hg19) VCF-style: chr16-2124272-C-T.
Other names: p.S809S:TCC>TCT; c.2427C>T, p.Ser809= (NM_001077183.3, NM_001114382.3, NM_001363528.2 and 3 more transcripts); c.2316C>T, p.Ser772= (NM_001318827.2); c.2280C>T, p.Ser760= (NM_001318829.2); c.1827C>T, p.Ser609= (NM_001318831.2); c.2460C>T, p.Ser820= (NM_001318832.2).
Identifiers: ClinVar variation 64860 (VCV000064860.71), dbSNP rs182849638, ClinGen allele CA017411.

ClinVar aggregate classification (germline): Benign/Likely benign. Review status: criteria provided, multiple submitters, no conflicts (2 of 4 stars). 17 submissions from 17 submitters: Benign (8); Likely benign (5). 4 of the submissions do not count toward it. Last evaluated 2026-03-01.

Conditions:
Hereditary cancer-predisposing syndrome. Also called: Hereditary Cancer Syndrome; Tumor predisposition; Neoplastic Syndromes, Hereditary; Hereditary neoplastic syndrome. Identifiers: Orphanet 140162, MedGen C0027672, MeSH D009386, MONDO:0015356.
Tuberous sclerosis syndrome (TSC). Also called: Tuberous Sclerosis Complex; Tuberous sclerosis. Identifiers: Orphanet 805, MedGen C0041341, MONDO:0001734.
Tuberous sclerosis 2 (TSC2). Identifiers: Orphanet 805, MedGen C1860707, MONDO:0013199, OMIM 613254.

Allele frequency attached by ClinVar (database versions not stated): ESP Exome Variant Server 0.00008; ExAC 0.00015; gnomAD exomes 0.00019; gnomAD 0.00021; 1000 Genomes Project 30x 0.00047; TOPMed 0.00023; 1000 Genomes Project 0.00040.
gnomAD v4.1: 418 of 1,613,178 alleles (0.026%); highest among the groups gnomAD compares: Admixed American, 0.052%; no homozygotes.

Submissions (17):

CeGaT Center for Human Genetics Tuebingen
Classification: Likely benign. Last evaluated: 2026-03-01. Review status: criteria provided, single submitter. Criteria: CeGaT Center For Human Genetics Tuebingen Variant Classification Criteria Version 2. Collection method: clinical testing. Allele origin: germline. Affected: yes. Observed: 4 variant alleles.
Comment: TSC2: BP4, BS1

Labcorp Genetics (formerly Invitae), Labcorp
Classification: Benign for Tuberous sclerosis 2. Last evaluated: 2026-01-26. Review status: criteria provided, single submitter. Criteria: Invitae Variant Classification Sherloc (09022015). Collection method: clinical testing. Allele origin: germline.

Myriad Genetics, Inc.
Classification: Benign for Tuberous sclerosis 2. Last evaluated: 2025-05-20. Review status: criteria provided, single submitter. Criteria: Myriad Autosomal Dominant, Autosomal Recessive and X-Linked Classification Criteria (2023). Collection method: clinical testing. Allele origin: unknown.
Comment: This variant is considered benign. This variant is a silent/synonymous amino acid change and it is not expected to impact splicing.

Blueprint Genetics
Classification: Likely benign. Last evaluated: 2024-09-23. Review status: criteria provided, single submitter. Criteria: ACMG Guidelines, 2015. Collection method: clinical testing. Allele origin: germline.

All of Us Research Program, National Institutes of Health
Classification: Benign for Tuberous sclerosis syndrome. Last evaluated: 2024-02-05. Review status: criteria provided, single submitter. Criteria: ACMG Guidelines, 2015. Collection method: clinical testing. Allele origin: germline. Inheritance: Autosomal dominant inheritance. Observed: 56 variant alleles, 56 heterozygotes.
Comment: This study involves interpretation of variants in research participants for the purpose of population health screening. Participant phenotype was not available at the time of variant classification. Additional details can be found in publication PMID: 35346344, PMCID: PMC8962531

Quest Diagnostics Nichols Institute San Juan Capistrano
Classification: Benign. Last evaluated: 2023-01-05. Review status: criteria provided, single submitter. Criteria: Quest Diagnostics criteria. Collection method: clinical testing. Allele origin: unknown.

Color Diagnostics, LLC DBA Color Health
Classification: Benign for Tuberous sclerosis syndrome. Last evaluated: 2022-09-26. Review status: criteria provided, single submitter. Criteria: ACMG Guidelines, 2015. Collection method: clinical testing. Allele origin: germline.

Genome-Nilou Lab
Classification: Benign for Tuberous sclerosis 2. Last evaluated: 2021-11-07. Review status: criteria provided, single submitter. Criteria: ACMG Guidelines, 2015. Collection method: clinical testing. Allele origin: germline. Affected: no.

Sema4
Classification: Benign for Hereditary cancer-predisposing syndrome. Last evaluated: 2020-10-10. Review status: criteria provided, single submitter. Criteria: Sema4 Curation Guidelines. Collection method: curation. Allele origin: germline.

Illumina Laboratory Services, Illumina
Classification: Likely benign for Tuberous sclerosis syndrome. Last evaluated: 2018-01-13. Review status: criteria provided, single submitter. Criteria: ICSL Variant Classification Criteria 13 December 2019. Collection method: clinical testing. Allele origin: germline.
Comment: This variant was observed in the ICSL laboratory as part of a predisposition screen in an ostensibly healthy population. It had not been previously curated by ICSL or reported in the Human Gene Mutation Database (HGMD: prior to June 1st, 2018), and was therefore a candidate for classification through an automated scoring system. Utilizing variant allele frequency, disease prevalence and penetrance estimates, and inheritance mode, an automated score was calculated to assess if this variant is too frequent to cause the disease. Based on the score and internal cut-off values, a variant classified as likely benign is not then subjected to further curation. The score for this variant resulted in a classification of likely benign for this disease.

Ambry Genetics
Classification: Likely benign for Hereditary cancer-predisposing syndrome. Last evaluated: 2015-03-20. Review status: criteria provided, single submitter. Criteria: Ambry Variant Classification Scheme 2023. Collection method: clinical testing. Allele origin: germline.

GeneDx
Classification: Benign. Last evaluated: 2013-10-18. Review status: criteria provided, single submitter. Criteria: GeneDx Variant Classification (06012015). Collection method: clinical testing. Allele origin: germline. Affected: yes.
Comment: This variant is considered likely benign or benign based on one or more of the following criteria: it is a conservative change, it occurs at a poorly conserved position in the protein, it is predicted to be benign by multiple in silico algorithms, and/or has population frequency not consistent with disease.

PreventionGenetics, part of Exact Sciences
Classification: Likely benign. Review status: criteria provided, single submitter. Criteria: ACMG Guidelines, 2015. Collection method: clinical testing. Allele origin: germline.

Clinical Genetics DNA and cytogenetics Diagnostics Lab, Erasmus MC, Erasmus Medical Center
Classification: Benign. Review status: no assertion criteria provided. Collection method: clinical testing. Allele origin: germline. Affected: yes. Study: VKGL Data-share Consensus. Not counted in ClinVar's aggregate classification.

Clinical Genetics, Academic Medical Center
Classification: Likely benign. Review status: no assertion criteria provided. Collection method: clinical testing. Allele origin: germline. Affected: yes. Study: VKGL Data-share Consensus. Not counted in ClinVar's aggregate classification.

Genome Diagnostics Laboratory, University Medical Center Utrecht
Classification: Likely benign. Review status: no assertion criteria provided. Collection method: clinical testing. Allele origin: germline. Affected: yes. Study: VKGL Data-share Consensus. Not counted in ClinVar's aggregate classification.

Tuberous sclerosis database (TSC2)
No classification provided. Condition: TSC. Review status: no classification provided. Criteria: Tuberous Sclerosis Database Assertion Criteria 2015. Collection method: curation. Allele origin: germline. Affected: yes. Not counted in ClinVar's aggregate classification.